The following is an entry in ClinVar:

ClinVar aggregate classification (germline): Benign (1 of 4 stars; one submission).

Allele frequency attached by ClinVar (database versions not stated): gnomAD 0.04037; TOPMed 0.04727; 1000 Genomes Project 0.04912; 1000 Genomes Project 30x 0.05215.

Submission:

GeneDx
Classification: Benign. Last evaluated: 2018-06-14. Review status: criteria provided, single submitter. Criteria: GeneDx Variant Classification (06012015). Collection method: clinical testing. Allele origin: germline. Affected: yes.
Comment: This variant is considered likely benign or benign based on one or more of the following criteria: it is a conservative change, it occurs at a poorly conserved position in the protein, it is predicted to be benign by multiple in silico algorithms, and/or has population frequency not consistent with disease.

NM_017827.4(SARS2):c.363+70C>A

Gene: SARS2 (seryl-tRNA synthetase 2, mitochondrial; minus strand). Cytogenetic location: 19q13.2.
Variant type: single nucleotide variant.
Coding change: c.363+70C>A on transcript NM_017827.4 (MANE Select); 70 bases into the intron after coding-DNA position 363, C replaced by A.
Molecular consequence: intron variant.
Genome position (GRCh38, 1-based): chr19:38,926,135, G>T on the plus strand (C>A on the coding strand, the complement: SARS2 is on the minus strand). VCF-style: chr19-38926135-G-T. GRCh37 (hg19) VCF-style: chr19-39416775-G-T.
Other names: c.363+70C>A (NM_001145901.2).
Identifiers: ClinVar variation 676832 (VCV000676832.1), dbSNP rs73930233, ClinGen allele CA308148653.